The following is an entry in ClinVar:

ClinVar aggregate classification (germline): Uncertain significance. Review status: criteria provided, multiple submitters, no conflicts (2 of 4 stars). 3 submissions from 3 submitters: Uncertain significance (3). Last evaluated 2025-05-13.

Conditions:
Cardiovascular phenotype. Identifiers: MedGen CN230736.
Distal myopathy with posterior leg and anterior hand involvement. Also called: WILLIAMS DISTAL MYOPATHY. Identifiers: Orphanet 63273, MedGen C3279722, MONDO:0013550, OMIM 614065.
Myofibrillar myopathy 5. Also called: Filaminopathy (type); FILAMINOPATHY, AUTOSOMAL DOMINANT. Identifiers: Orphanet 171445, MedGen C1836050, MONDO:0012289, OMIM 609524.
Hypertrophic cardiomyopathy 26. Also called: Cardiomyopathy, familial hypertrophic, 26. Identifiers: Orphanet 75249, MedGen C4310749, MONDO:0014883, OMIM 617047.

Allele frequency attached by ClinVar (database versions not stated): TOPMed below 0.00001.
gnomAD v4.1: 3 of 1,613,828 alleles (0.00019%); highest among the groups gnomAD compares: Non-Finnish European, 0.00025%; no homozygotes.

Submissions (3):

Labcorp Genetics (formerly Invitae), Labcorp
Classification: Uncertain significance for Distal myopathy with posterior leg and anterior hand involvement; Myofibrillar myopathy 5; Hypertrophic cardiomyopathy 26. Last evaluated: 2025-05-13. Review status: criteria provided, single submitter. Criteria: Invitae Variant Classification Sherloc (09022015). Collection method: clinical testing. Allele origin: germline.
Comment: This sequence change replaces valine, which is neutral and non-polar, with methionine, which is neutral and non-polar, at codon 1235 of the FLNC protein (p.Val1235Met). This variant is present in population databases (no rsID available, gnomAD 0.0009%). This variant has not been reported in the literature in individuals affected with FLNC-related conditions. ClinVar contains an entry for this variant (Variation ID: 539385). Invitae Evidence Modeling of protein sequence and biophysical properties (such as structural, functional, and spatial information, amino acid conservation, physicochemical variation, residue mobility, and thermodynamic stability) has been performed for this missense variant. However, the output from this modeling did not meet the statistical confidence thresholds required to predict the impact of this variant on FLNC protein function. In summary, the available evidence is currently insufficient to determine the role of this variant in disease. Therefore, it has been classified as a Variant of Uncertain Significance.

GeneDx
Classification: Uncertain significance. Last evaluated: 2025-04-29. Review status: criteria provided, single submitter. Criteria: GeneDx Variant Classification Process June 2021. Collection method: clinical testing. Allele origin: germline. Affected: yes.
Comment: Not observed at significant frequency in large population cohorts (gnomAD); In silico analysis indicates that this missense variant does not alter protein structure/function; Has not been previously published as pathogenic or benign to our knowledge

Ambry Genetics
Classification: Uncertain significance for Cardiovascular phenotype. Last evaluated: 2025-03-04. Review status: criteria provided, single submitter. Criteria: Ambry Variant Classification Scheme 2023. Collection method: clinical testing. Allele origin: germline.
Comment: The p.V1235M variant (also known as c.3703G>A), located in coding exon 21 of the FLNC gene, results from a G to A substitution at nucleotide position 3703. The valine at codon 1235 is replaced by methionine, an amino acid with highly similar properties. This amino acid position is conserved. In addition, the in silico prediction for this alteration is inconclusive. Since supporting evidence is limited at this time, the clinical significance of this alteration remains unclear.

NM_001458.5(FLNC):c.3703G>A (p.Val1235Met)

Gene: FLNC (filamin C; plus strand). Cytogenetic location: 7q32.1.
Variant type: single nucleotide variant.
Coding change: c.3703G>A on transcript NM_001458.5 (MANE Select); coding-DNA position 3703, G replaced by A.
Protein change: p.Val1235Met; replaces valine 1235 with methionine.
Molecular consequence: missense variant.
Genome position (GRCh38, 1-based): chr7:128,845,168, G>A. VCF-style: chr7-128845168-G-A. GRCh37 (hg19) VCF-style: chr7-128485222-G-A.
Other names: c.3703G>A, p.Val1235Met (NM_001127487.2); short protein forms V1235M.
Identifiers: ClinVar variation 539385 (VCV000539385.14), dbSNP rs1208885010, ClinGen allele CA369197763.